The following is an entry in ClinVar:

NM_003579.4(RAD54L):c.2207A>C (p.His736Pro)

Genes: LRRC41 (leucine rich repeat containing 41; minus strand), RAD54L (RAD54 like; plus strand). Cytogenetic location: 1p34.1.
Variant type: single nucleotide variant.
Coding change: c.2207A>C on transcript NM_003579.4 (MANE Select); coding-DNA position 2207, A replaced by C.
Protein change: p.His736Pro; replaces histidine 736 with proline.
Molecular consequence: missense variant. On other transcripts: 3 prime UTR variant (1).
Genome position (GRCh38, 1-based): chr1:46,278,245, A>C. VCF-style: chr1-46278245-A-C. GRCh37 (hg19) VCF-style: chr1-46743917-A-C.
Other names: c.*620T>G (NM_006369.5); c.2207A>C, p.His736Pro (NM_001142548.2); c.1667A>C, p.His556Pro (NM_001370766.1); short protein forms H556P, H736P.
Identifiers: ClinVar variation 1787697 (VCV001787697.2), dbSNP rs2148309309, ClinGen allele CA340191458.

ClinVar aggregate classification (germline): Uncertain significance (1 of 4 stars; one submission).

Submission:

Ambry Genetics
Classification: Uncertain significance. Last evaluated: 2021-12-20. Review status: criteria provided, single submitter. Criteria: Ambry Variant Classification Scheme 2023. Collection method: clinical testing. Allele origin: germline.
Comment: The p.H736P variant (also known as c.2207A>C), located in coding exon 18 of the RAD54L gene, results from an A to C substitution at nucleotide position 2207. The histidine at codon 736 is replaced by proline, an amino acid with similar properties. This amino acid position is conserved. In addition, this alteration is predicted to be deleterious by in silico analysis. Since supporting evidence is limited at this time, the clinical significance of this alteration remains unclear.